The following is an entry in ClinVar:

NM_006258.4(PRKG1):c.676G>A (p.Glu226Lys)

Gene: PRKG1 (protein kinase cGMP-dependent 1; plus strand). Cytogenetic location: 10q21.1.
Variant type: single nucleotide variant.
Coding change: c.676G>A on transcript NM_006258.4 (MANE Select); coding-DNA position 676, G replaced by A.
Protein change: p.Glu226Lys; replaces glutamic acid 226 with lysine.
Molecular consequence: missense variant.
Genome position (GRCh38, 1-based): chr10:51,804,668, G>A. VCF-style: chr10-51804668-G-A. GRCh37 (hg19) VCF-style: chr10-53564428-G-A.
Other names: c.631G>A, p.Glu211Lys (LRG_1135t2, NM_001098512.3); c.676G>A, p.Glu226Lys (LRG_1135t1); short protein forms E211K, E226K.
Identifiers: ClinVar variation 263903 (VCV000263903.7), dbSNP rs751351827, ClinGen allele CA5503562.

ClinVar aggregate classification (germline): Uncertain significance. Review status: criteria provided, multiple submitters, no conflicts (2 of 4 stars). 2 submissions from 2 submitters: Uncertain significance (2). Last evaluated 2025-09-22.

Conditions:
Aortic aneurysm, familial thoracic 8 (AAT8). Identifiers: MedGen C3809513, MONDO:0014187, OMIM 615436.
Familial thoracic aortic aneurysm and aortic dissection (TAAD). Also called: Thoracic aortic aneurysms and dissections. Identifiers: Orphanet 91387, MedGen C4707243, MONDO:0019625.

Allele frequency attached by ClinVar (database versions not stated): gnomAD exomes below 0.00001; ExAC 0.00001; gnomAD 0.00001.
gnomAD v4.1: 4 of 1,584,594 alleles (0.00025%); highest among the groups gnomAD compares: Admixed American, 0.0017%; no homozygotes.

Submissions (2):

Labcorp Genetics (formerly Invitae), Labcorp
Classification: Uncertain significance for Aortic aneurysm, familial thoracic 8. Last evaluated: 2025-09-22. Review status: criteria provided, single submitter. Criteria: Invitae Variant Classification Sherloc (09022015). Collection method: clinical testing. Allele origin: germline.
Comment: This sequence change replaces glutamic acid, which is acidic and polar, with lysine, which is basic and polar, at codon 226 of the PRKG1 protein (p.Glu226Lys). This variant is present in population databases (rs751351827, gnomAD 0.0009%). This variant has not been reported in the literature in individuals affected with PRKG1-related conditions. ClinVar contains an entry for this variant (Variation ID: 263903). An algorithm developed to predict the effect of missense changes on protein structure and function (PolyPhen-2) suggests that this variant is likely to be disruptive. In summary, the available evidence is currently insufficient to determine the role of this variant in disease. Therefore, it has been classified as a Variant of Uncertain Significance.

Ambry Genetics
Classification: Uncertain significance for Familial thoracic aortic aneurysm and aortic dissection. Last evaluated: 2019-12-23. Review status: criteria provided, single submitter. Criteria: Ambry Variant Classification Scheme 2023. Collection method: clinical testing. Allele origin: germline.
Comment: The p.E226K variant (also known as c.676G>A), located in coding exon 4 of the PRKG1 gene, results from a G to A substitution at nucleotide position 676. The glutamic acid at codon 226 is replaced by lysine, an amino acid with similar properties. This amino acid position is highly conserved in available vertebrate species. In addition, the in silico prediction for this alteration is inconclusive. Since supporting evidence is limited at this time, the clinical significance of this alteration remains unclear.